The following is an entry in ClinVar:

ClinVar aggregate classification (germline): Uncertain significance (1 of 4 stars; one submission).

Submission:

GeneDx
Classification: Uncertain significance. Last evaluated: 2022-11-25. Review status: criteria provided, single submitter. Criteria: GeneDx Variant Classification Process June 2021. Collection method: clinical testing. Allele origin: germline. Affected: yes.
Comment: Not observed at significant frequency in large population cohorts (gnomAD); In silico analysis supports that this variant does not alter splicing; Has not been previously published as pathogenic or benign to our knowledge

NM_022455.5(NSD1):c.4020A>G (p.Glu1340=)

Gene: NSD1 (nuclear receptor binding SET domain protein 1; plus strand). Cytogenetic location: 5q35.3.
Variant type: single nucleotide variant.
Coding change: c.4020A>G on transcript NM_022455.5 (MANE Select); coding-DNA position 4020, A replaced by G.
Protein change: p.Glu1340=; no amino-acid change (glutamic acid 1340 retained).
Molecular consequence: synonymous variant.
Genome position (GRCh38, 1-based): chr5:177,238,335, A>G. VCF-style: chr5-177238335-A-G. GRCh37 (hg19) VCF-style: chr5-176665336-A-G.
Other names: c.3147A>G, p.Glu1049= (NM_001365684.2, NM_001409306.1, NM_001409307.1 and 3 more transcripts); c.4020A>G, p.Glu1340= (NM_001409301.1, NM_001409302.1, NM_001409303.1); c.3600A>G, p.Glu1200= (NM_001409304.1); c.3267A>G, p.Glu1089= (NM_001409305.1).
Identifiers: ClinVar variation 1302418 (VCV001302418.2), dbSNP rs2149887388, ClinGen allele CA447724832.